The following is an entry in ClinVar:

ClinVar aggregate classification (germline): Likely benign (0 of 4 stars; one submission).

Conditions:
MUC16-related disorder. Also called: MUC16-related condition.

Allele frequency attached by ClinVar (database versions not stated): ExAC 0.00065; 1000 Genomes Project 0.00180; gnomAD 0.00214; TOPMed 0.00242; ESP Exome Variant Server 0.00244; 1000 Genomes Project 30x 0.00250.

Submission:

PreventionGenetics, part of Exact Sciences
Classification: Likely benign for MUC16-related condition. Last evaluated: 2019-02-18. Review status: no assertion criteria provided. Collection method: clinical testing. Allele origin: germline.
Comment: This variant is classified as likely benign based on ACMG/AMP sequence variant interpretation guidelines (Richards et al. 2015 PMID: 25741868, with internal and published modifications).

NM_001401501.2(MUC16):c.411C>T (p.Ser137=)

Gene: MUC16 (mucin 16, cell surface associated; minus strand). Cytogenetic location: 19p13.2.
Variant type: single nucleotide variant.
Coding change: c.411C>T on transcript NM_001401501.2 (MANE Select); coding-DNA position 411, C replaced by T.
Protein change: p.Ser137=; no amino-acid change (serine 137 retained).
Molecular consequence: synonymous variant.
Genome position (GRCh38, 1-based): chr19:8,980,848, G>A on the plus strand (C>T on the coding strand, the complement: MUC16 is on the minus strand). VCF-style: chr19-8980848-G-A. GRCh37 (hg19) VCF-style: chr19-9091524-G-A.
Other names: c.837C>T, p.Ser279= (NM_001414686.1); c.291C>T, p.Ser97= (NM_001414687.1, NM_024690.2).
Identifiers: ClinVar variation 3040375 (VCV003040375.2), dbSNP rs375390174, ClinGen allele CA9173633.